The following is an entry in ClinVar:

ClinVar aggregate classification (germline): Uncertain significance (1 of 4 stars; one submission).

Submission:

Labcorp Genetics (formerly Invitae), Labcorp
Classification: Uncertain significance. Last evaluated: 2022-11-28. Review status: criteria provided, single submitter. Criteria: Invitae Variant Classification Sherloc (09022015). Collection method: clinical testing. Allele origin: germline.
Comment: In summary, the available evidence is currently insufficient to determine the role of this variant in disease. Therefore, it has been classified as a Variant of Uncertain Significance. Advanced modeling of protein sequence and biophysical properties (such as structural, functional, and spatial information, amino acid conservation, physicochemical variation, residue mobility, and thermodynamic stability) has been performed at Invitae for this missense variant, however the output from this modeling did not meet the statistical confidence thresholds required to predict the impact of this variant on SOX3 protein function. This variant has not been reported in the literature in individuals affected with SOX3-related conditions. This variant is not present in population databases (gnomAD no frequency). This sequence change replaces asparagine, which is neutral and polar, with lysine, which is basic and polar, at codon 161 of the SOX3 protein (p.Asn161Lys).

NM_005634.3(SOX3):c.483C>A (p.Asn161Lys)

Gene: SOX3 (SRY-box transcription factor 3; minus strand). Cytogenetic location: Xq27.1.
Variant type: single nucleotide variant.
Coding change: c.483C>A on transcript NM_005634.3 (MANE Select); coding-DNA position 483, C replaced by A.
Protein change: p.Asn161Lys; replaces asparagine 161 with lysine.
Molecular consequence: missense variant.
Genome position (GRCh38, 1-based): chrX:140,504,578, G>T on the plus strand (C>A on the coding strand, the complement: SOX3 is on the minus strand). VCF-style: chrX-140504578-G-T. GRCh37 (hg19) VCF-style: chrX-139586743-G-T.
Other names: short protein forms N161K.
Identifiers: ClinVar variation 2176029 (VCV002176029.4), dbSNP rs2520867559, ClinGen allele CA414478669.